The following is an entry in ClinVar:

ClinVar aggregate classification (germline): Uncertain significance (1 of 4 stars; one submission).

Conditions:
Kleefstra syndrome 1 (KLEFS1). Identifiers: Orphanet 261494, MedGen C0795833, MONDO:0027407, OMIM 610253.

gnomAD v4.1: 1 of 1,614,056 alleles (0.000062%); highest among the groups gnomAD compares: Non-Finnish European, 0.000085%; no homozygotes.

Submission:

Labcorp Genetics (formerly Invitae), Labcorp
Classification: Uncertain significance for Kleefstra syndrome 1. Last evaluated: 2025-01-25. Review status: criteria provided, single submitter. Criteria: Invitae Variant Classification Sherloc (09022015). Collection method: clinical testing. Allele origin: germline.
Comment: This sequence change replaces proline, which is neutral and non-polar, with leucine, which is neutral and non-polar, at codon 653 of the EHMT1 protein (p.Pro653Leu). This variant is not present in population databases (gnomAD no frequency). This variant has not been reported in the literature in individuals affected with EHMT1-related conditions. Invitae Evidence Modeling of protein sequence and biophysical properties (such as structural, functional, and spatial information, amino acid conservation, physicochemical variation, residue mobility, and thermodynamic stability) indicates that this missense variant is not expected to disrupt EHMT1 protein function with a negative predictive value of 80%. In summary, the available evidence is currently insufficient to determine the role of this variant in disease. Therefore, it has been classified as a Variant of Uncertain Significance.

NM_024757.5(EHMT1):c.1958C>T (p.Pro653Leu)

Gene: EHMT1 (euchromatic histone lysine methyltransferase 1; plus strand). Cytogenetic location: 9q34.3.
Variant type: single nucleotide variant.
Coding change: c.1958C>T on transcript NM_024757.5 (MANE Select); coding-DNA position 1958, C replaced by T.
Protein change: p.Pro653Leu; replaces proline 653 with leucine.
Molecular consequence: missense variant.
Genome position (GRCh38, 1-based): chr9:137,776,784, C>T. VCF-style: chr9-137776784-C-T. GRCh37 (hg19) VCF-style: chr9-140671236-C-T.
Other names: c.1958C>T, p.Pro653Leu (NM_001145527.2); c.1865C>T, p.Pro622Leu (NM_001354259.2); c.1937C>T, p.Pro646Leu (NM_001354263.2); short protein forms P622L, P646L, P653L.
Identifiers: ClinVar variation 3613186 (VCV003613186.2).